The following is an entry in ClinVar:

NM_004994.3(MMP9):c.1216G>A (p.Ala406Thr)

Gene: MMP9 (matrix metallopeptidase 9; plus strand). Cytogenetic location: 20q13.12.
Variant type: single nucleotide variant.
Coding change: c.1216G>A on transcript NM_004994.3 (MANE Select); coding-DNA position 1216, G replaced by A.
Protein change: p.Ala406Thr; replaces alanine 406 with threonine.
Molecular consequence: missense variant.
Genome position (GRCh38, 1-based): chr20:46,012,468, G>A. VCF-style: chr20-46012468-G-A. GRCh37 (hg19) VCF-style: chr20-44641107-G-A.
Other names: short protein forms A406T.
Identifiers: ClinVar variation 4702784 (VCV004702784.1).
Genomic context (GRCh38, chr20:46,012,468, plus strand): 5'-AGGCTCCCTCTCCCTCCAGGATACAGTTTGTTCCTCGTGGCGGCGCATGAGTTCGGCCAC[G>A]CGCTGGGCTTAGATCATTCCTCAGTGCCGGAGGCGCTCATGTACCCTATGTACCGCTTCA-3'
Protein context (NP_004985.2, residues 396-416): FLVAAHEFGH[Ala406Thr]LGLDHSSVPE

ClinVar aggregate classification (germline): Uncertain significance (1 of 4 stars; one submission).

Submission:

Labcorp Genetics (formerly Invitae), Labcorp
Classification: Uncertain significance. Last evaluated: 2025-02-03. Review status: criteria provided, single submitter. Criteria: Invitae Variant Classification Sherloc (09022015). Collection method: clinical testing. Allele origin: germline.
Comment: This sequence change replaces alanine, which is neutral and non-polar, with threonine, which is neutral and polar, at codon 406 of the MMP9 protein (p.Ala406Thr). This variant is present in population databases (rs373663809, gnomAD 0.002%). This variant has not been reported in the literature in individuals affected with MMP9-related conditions. Invitae Evidence Modeling of protein sequence and biophysical properties (such as structural, functional, and spatial information, amino acid conservation, physicochemical variation, residue mobility, and thermodynamic stability) indicates that this missense variant is not expected to disrupt MMP9 protein function with a negative predictive value of 80%. In summary, the available evidence is currently insufficient to determine the role of this variant in disease. Therefore, it has been classified as a Variant of Uncertain Significance.